The following is an entry in ClinVar:

NM_004183.4(BEST1):c.37C>T (p.Arg13Cys)

Gene: BEST1 (bestrophin 1; plus strand). Cytogenetic location: 11q12.3.
Variant type: single nucleotide variant.
Coding change: c.37C>T on transcript NM_004183.4 (MANE Select); coding-DNA position 37, C replaced by T.
Protein change: p.Arg13Cys; replaces arginine 13 with cysteine.
Molecular consequence: missense variant. On other transcripts: non-coding transcript variant (1), intron variant (6).
Genome position (GRCh38, 1-based): chr11:61,951,843, C>T. VCF-style: chr11-61951843-C-T. GRCh37 (hg19) VCF-style: chr11-61719315-C-T.
Other names: c.37C>T, p.Arg13Cys (NM_001363592.2, NM_001440571.1, NM_001440572.1 and 1 more transcripts); c.-29+1416C>T (NM_001139443.3, NM_001300787.2, NM_001440574.1 and 3 more transcripts); short protein forms R13C.
Identifiers: ClinVar variation 279701 (VCV000279701.22), dbSNP rs886041141, ClinGen allele CA10603118.

ClinVar aggregate classification (germline): Pathogenic/Likely pathogenic. Review status: criteria provided, multiple submitters, no conflicts (2 of 4 stars). 9 submissions from 9 submitters: Pathogenic (3); Likely pathogenic (5). 1 of the submissions does not count toward it. Last evaluated 2026-09-16.

Conditions:
Macular dystrophy. Identifiers: MedGen C0730292, HP:0007754.
BEST1-related disorder. Also called: BEST1-related disorders; BEST1-related condition. Identifiers: MedGen CN239200.
Retinal dystrophy. Also called: Inherited retinal dystrophy. Identifiers: Orphanet 71862, MedGen C0854723, MeSH D058499, MONDO:0019118, HP:0000556.
Vitelliform macular dystrophy 2. Also called: MACULAR DEGENERATION, POLYMORPHIC VITELLINE; Best Vitelliform Macular Dystrophy (BVMD); Best Macular Dystrophy; Best vitelliform macular dystrophy, multifocal; VITELLIFORM MACULAR DYSTROPHY, EARLY-ONSET; VITELLIFORM MACULAR DYSTROPHY, JUVENILE-ONSET. Identifiers: Orphanet 1243, MedGen C2745945, MONDO:0007931, OMIM 153700.

Allele frequency attached by ClinVar (database versions not stated): gnomAD exomes below 0.00001; TOPMed 0.00002; gnomAD 0.00003.

Submissions (9):

PreventionGenetics, part of Exact Sciences
Classification: Pathogenic for BEST1-related condition. Last evaluated: 2026-09-16. Review status: criteria provided, single submitter. Criteria: ACMG Guidelines, 2015. Collection method: clinical testing. Allele origin: germline.
Comment: The BEST1 c.37C>T variant is predicted to result in the amino acid substitution p.Arg13Cys. This variant has been reported in multiple individuals with autosomal dominant and autosomal recessive inherited retinal disorders (see for examples: dominant: Table S3, Laich et al. 2024. PubMed ID: 38278445; Khan et al. 2022. PubMed ID: 35311463; Table S2, Kinnick et al. 2011. PubMed ID: 21273940; Table S1, Birtel. 2018. PubMed ID: 29555955; Pappalardo. 2021. PubMed ID: 33512609; recessive: Khojasteh. 2021. PubMed ID: 34012682). Many alternate substitutions of this amino acid residue (p.Arg13Gly, p.Arg13Pro, p.Arg13His) have also been reported in individual with retinal disease (see for examples: Table S2, Weisschuh et al. 2020. PubMed ID: 32531858; Table S1, Kinnick et al. 2011. PubMed ID: 21273940; Caldwell et al. 1999. PubMed ID: 10331951). This variant is absent in a large population database, indicating this variant is rare. This variant is interpreted as pathogenic for autosomal dominant disease.

Revvity Omics, Revvity
Classification: Likely pathogenic. Last evaluated: 2025-03-26. Review status: criteria provided, single submitter. Criteria: ACMG Guidelines, 2015. Collection method: clinical testing. Allele origin: germline.

Labcorp Genetics (formerly Invitae), Labcorp
Classification: Pathogenic. Last evaluated: 2024-11-11. Review status: criteria provided, single submitter. Criteria: Invitae Variant Classification Sherloc (09022015). Collection method: clinical testing. Allele origin: germline.
Comment: This sequence change replaces arginine, which is basic and polar, with cysteine, which is neutral and slightly polar, at codon 13 of the BEST1 protein (p.Arg13Cys). This variant is not present in population databases (gnomAD no frequency). This missense change has been observed in individuals with autosomal dominant BEST1-related conditions (PMID: 21273940, 29555955; internal data). This variant has been reported in individual(s) with autosomal recessive retinal disease (internal data); however, the role of the variant in this condition is currently unclear. ClinVar contains an entry for this variant (Variation ID: 279701). Invitae Evidence Modeling of protein sequence and biophysical properties (such as structural, functional, and spatial information, amino acid conservation, physicochemical variation, residue mobility, and thermodynamic stability) indicates that this missense variant is expected to disrupt BEST1 protein function with a positive predictive value of 95%. This variant disrupts the p.Arg13 amino acid residue in BEST1. Other variant(s) that disrupt this residue have been observed in individuals with BEST1-related conditions (PMID: 10331951, 21273940; internal data), which suggests that this may be a clinically significant amino acid residue. For these reasons, this variant has been classified as Pathogenic.

Dubai Health Genomic Medicine Center, Dubai Health
Classification: Likely pathogenic for Macular dystrophy. Last evaluated: 2024-10-04. Review status: criteria provided, single submitter. Criteria: ACMG Guidelines, 2015. Collection method: research. Allele origin: germline. Affected: yes.
Comment: PS4,PM5,PM2

GeneDx
Classification: Likely pathogenic. Last evaluated: 2024-05-22. Review status: criteria provided, single submitter. Criteria: GeneDx Variant Classification Process June 2021. Collection method: clinical testing. Allele origin: germline. Affected: yes.
Comment: Not observed at significant frequency in large population cohorts (gnomAD); In silico analysis supports that this missense variant has a deleterious effect on protein structure/function; This variant is associated with the following publications: (PMID: 28728185, 27120116, 33512609, 29555955, 34906470, 21273940, 35311463, 30498755, 30593719, 34012682, 35973442)

Blueprint Genetics
Classification: Pathogenic for BEST1-related disorders. Last evaluated: 2023-08-29. Review status: criteria provided, single submitter. Criteria: ACMG Guidelines, 2015. Collection method: clinical testing. Allele origin: germline. Affected: yes. Observed: 5 variant alleles.

Genetics and Molecular Pathology, SA Pathology
Classification: Likely pathogenic for Vitelliform macular dystrophy 2. Last evaluated: 2021-08-16. Review status: criteria provided, single submitter. Criteria: ACMG Guidelines, 2015. Collection method: clinical testing. Allele origin: germline. Affected: yes.
Comment: There are multiple RNA isoforms for the BEST1 gene and this exon is not expressed in all isoforms. Other isoforms, which do not transcribe this exon, are expressed at a higher level.

Institute of Human Genetics, Univ. Regensburg, Univ. Regensburg
Classification: Likely pathogenic for Retinal dystrophy. Last evaluated: 2020-01-01. Review status: criteria provided, single submitter. Criteria: ACMG Guidelines, 2015. Collection method: clinical testing. Allele origin: germline. Affected: yes.

Ocular Genomics Institute, Massachusetts Eye and Ear
Classification: Uncertain significance for Vitelliform macular dystrophy 2. Last evaluated: 2021-04-08. Review status: flagged submission. Criteria: ACMG Guidelines, 2015. Collection method: research. Allele origin: germline. Affected: yes. Not counted in ClinVar's aggregate classification.
Comment: Through a review of available evidence we were able to apply the following criteria: PM2. Based on this evidence we have classified this variant as Variant of Uncertain Significance.
ClinVar note: Reason: Outlier claim with insufficient supporting evidence

Literature cited by the submitters: PubMed 21273940 (cited by Labcorp Genetics (formerly Invitae), Labcorp and Institute of Human Genetics, Univ. Regensburg, Univ. Regensburg); PubMed 29555955 (cited by Labcorp Genetics (formerly Invitae), Labcorp and Institute of Human Genetics, Univ. Regensburg, Univ. Regensburg); PubMed 10331951 (cited by Labcorp Genetics (formerly Invitae), Labcorp); PubMed 31725702 (cited by Institute of Human Genetics, Univ. Regensburg, Univ. Regensburg); PubMed 34012682 (cited by Institute of Human Genetics, Univ. Regensburg, Univ. Regensburg); PubMed 33512609 (cited by Institute of Human Genetics, Univ. Regensburg, Univ. Regensburg); PubMed 35311463 (cited by Institute of Human Genetics, Univ. Regensburg, Univ. Regensburg); PubMed 35973442 (cited by Institute of Human Genetics, Univ. Regensburg, Univ. Regensburg).